The following is an entry in ClinVar:

ClinVar aggregate classification (germline): Uncertain significance. Review status: criteria provided, multiple submitters, no conflicts (2 of 4 stars). 2 submissions from 2 submitters: Uncertain significance (2). Last evaluated 2022-10-26.

Conditions:
Inborn genetic diseases. Identifiers: MedGen C0950123, MeSH D030342.
Chédiak-Higashi syndrome (CHS). Also called: Chediak-Higashi Syndrome. Identifiers: Orphanet 167, MedGen C0007965, MONDO:0008963, OMIM 214500.

Allele frequency attached by ClinVar (database versions not stated): gnomAD exomes below 0.00001.
gnomAD v4.1: 1 of 1,611,852 alleles (0.000062%); highest among the groups gnomAD compares: Non-Finnish European, 0.000085%; no homozygotes.

Submissions (2):

Ambry Genetics
Classification: Uncertain significance for Inborn genetic diseases. Last evaluated: 2022-10-26. Review status: criteria provided, single submitter. Criteria: Ambry Variant Classification Scheme 2023. Collection method: clinical testing. Allele origin: germline.

Labcorp Genetics (formerly Invitae), Labcorp
Classification: Uncertain significance for Chédiak-Higashi syndrome. Last evaluated: 2022-04-17. Review status: criteria provided, single submitter. Criteria: Invitae Variant Classification Sherloc (09022015). Collection method: clinical testing. Allele origin: germline.
Comment: In summary, the available evidence is currently insufficient to determine the role of this variant in disease. Therefore, it has been classified as a Variant of Uncertain Significance. Algorithms developed to predict the effect of missense changes on protein structure and function are either unavailable or do not agree on the potential impact of this missense change (SIFT: "Tolerated"; PolyPhen-2: "Probably Damaging"; Align-GVGD: "Class C0"). This variant has not been reported in the literature in individuals affected with LYST-related conditions. This variant is not present in population databases (gnomAD no frequency). This sequence change replaces glutamine, which is neutral and polar, with arginine, which is basic and polar, at codon 132 of the LYST protein (p.Gln132Arg).

NM_000081.4(LYST):c.395A>G (p.Gln132Arg)

Gene: LYST (lysosomal trafficking regulator; minus strand). Cytogenetic location: 1q42.3.
Variant type: single nucleotide variant.
Coding change: c.395A>G on transcript NM_000081.4 (MANE Select); coding-DNA position 395, A replaced by G.
Protein change: p.Gln132Arg; replaces glutamine 132 with arginine.
Molecular consequence: missense variant.
Genome position (GRCh38, 1-based): chr1:235,810,423, T>C on the plus strand (A>G on the coding strand, the complement: LYST is on the minus strand). VCF-style: chr1-235810423-T-C. GRCh37 (hg19) VCF-style: chr1-235973723-T-C.
Other names: c.395A>G, p.Gln132Arg (NM_001301365.1); short protein forms Q132R.
Identifiers: ClinVar variation 2127339 (VCV002127339.5), dbSNP rs2527132523, ClinGen allele CA344965304.